The following is an entry in ClinVar:

NM_002582.4(PARN):c.1878G>T (p.Lys626Asn)

Gene: PARN (poly(A)-specific ribonuclease; minus strand). Cytogenetic location: 16p13.12.
Variant type: single nucleotide variant.
Coding change: c.1878G>T on transcript NM_002582.4 (MANE Select); coding-DNA position 1878, G replaced by T.
Protein change: p.Lys626Asn; replaces lysine 626 with asparagine.
Molecular consequence: missense variant.
Genome position (GRCh38, 1-based): chr16:14,436,759, C>A on the plus strand (G>T on the coding strand, the complement: PARN is on the minus strand). VCF-style: chr16-14436759-C-A. GRCh37 (hg19) VCF-style: chr16-14530616-C-A.
Other names: c.1695G>T, p.Lys565Asn (NM_001134477.3); c.1740G>T, p.Lys580Asn (NM_001242992.2); short protein forms K565N, K580N, K626N.
Identifiers: ClinVar variation 3762035 (VCV003762035.2).

ClinVar aggregate classification (germline): Uncertain significance (1 of 4 stars; one submission).

Conditions:
Dyskeratosis congenita, autosomal recessive 6 (DKCB6). Identifiers: MedGen C4225356, MONDO:0014600, OMIM 616353.
Pulmonary fibrosis and/or bone marrow failure, Telomere-related, 4. Also called: PULMONARY FIBROSIS AND/OR BONE MARROW FAILURE SYNDROME, TELOMERE-RELATED, 4. Identifiers: Orphanet 2032, MedGen C4225347, MONDO:0014612, OMIM 616371.

gnomAD v4.1: 4 of 1,591,444 alleles (0.00025%); highest among the groups gnomAD compares: African/African-American, 0.0054%; no homozygotes.

Submission:

Labcorp Genetics (formerly Invitae), Labcorp
Classification: Uncertain significance for Dyskeratosis congenita, autosomal recessive 6; Pulmonary fibrosis and/or bone marrow failure, Telomere-related, 4. Last evaluated: 2025-01-15. Review status: criteria provided, single submitter. Criteria: Invitae Variant Classification Sherloc (09022015). Collection method: clinical testing. Allele origin: germline.
Comment: This sequence change replaces lysine, which is basic and polar, with asparagine, which is neutral and polar, at codon 626 of the PARN protein (p.Lys626Asn). The frequency data for this variant in the population databases is considered unreliable, as metrics indicate poor data quality at this position in the gnomAD database. This variant has not been reported in the literature in individuals affected with PARN-related conditions. An algorithm developed to predict the effect of missense changes on protein structure and function (PolyPhen-2) suggests that this variant is likely to be tolerated. In summary, the available evidence is currently insufficient to determine the role of this variant in disease. Therefore, it has been classified as a Variant of Uncertain Significance.